The following is an entry in ClinVar:

NM_001099922.3(ALG13):c.2403G>C (p.Glu801Asp)

Gene: ALG13 (ALG13 UDP-N-acetylglucosaminyltransferase subunit; plus strand). Cytogenetic location: Xq23.
Variant type: single nucleotide variant.
Coding change: c.2403G>C on transcript NM_001099922.3 (MANE Select); coding-DNA position 2403, G replaced by C.
Protein change: p.Glu801Asp; replaces glutamic acid 801 with aspartic acid.
Molecular consequence: missense variant. On other transcripts: non-coding transcript variant (1).
Genome position (GRCh38, 1-based): chrX:111,730,526, G>C. VCF-style: chrX-111730526-G-C. GRCh37 (hg19) VCF-style: chrX-110973754-G-C.
Other names: c.2091G>C, p.Glu697Asp (NM_001257230.2, NM_001257234.2, NM_001257237.2); c.2169G>C, p.Glu723Asp (NM_001257231.2); c.2403G>C, p.Glu801Asp (NM_001324292.2); c.1917G>C, p.Glu639Asp (NM_001324293.1); short protein forms E801D, E697D, E639D, E723D.
Identifiers: ClinVar variation 403876 (VCV000403876.10), dbSNP rs778396216, ClinGen allele CA10493891.
Genomic context (GRCh38, chrX:111,730,526, plus strand): 5'-TTTATAGAATTTCAAGCTATAAAATAATGCTCATTTTTTACTTTGGCTATATTCTCTAGA[G>C]CCAGACTATGAAACTTCAGGTGTTTATAGCACAACTGCATCTACAGCAAACTTGGTAGGT-3'
Protein context (NP_001093392.1, residues 791-811): RYHEEYLYRA[Glu801Asp]PDYETSGVYS

ClinVar aggregate classification (germline): Conflicting classifications of pathogenicity. Review status: criteria provided, conflicting classifications (1 of 4 stars). 2 submissions from 2 submitters: Uncertain significance (1); Likely benign (1). Last evaluated 2025-12-24.

Conditions:
Developmental and epileptic encephalopathy, 36 (DEE36). Also called: Congenital disorder of glycosylation, type Is; Epileptic encephalopathy, early infantile, 36; ALG13-CDG. Identifiers: Orphanet 324422, MedGen C4317295, MONDO:0010472, OMIM 300884.

Allele frequency attached by ClinVar (database versions not stated): TOPMed 0.00004; gnomAD 0.00005 and 0.00006; gnomAD exomes 0.00006; ExAC 0.00016.
gnomAD v4.1: 46 of 1,192,624 alleles (0.0039%); highest among the groups gnomAD compares: Middle Eastern, 0.025%; no homozygotes.

Submissions (2):

Labcorp Genetics (formerly Invitae), Labcorp
Classification: Likely benign for Developmental and epileptic encephalopathy, 36. Last evaluated: 2025-12-24. Review status: criteria provided, single submitter. Criteria: Invitae Variant Classification Sherloc (09022015). Collection method: clinical testing. Allele origin: germline.

GeneDx
Classification: Uncertain significance. Last evaluated: 2020-02-18. Review status: criteria provided, single submitter. Criteria: GeneDx Variant Classification Process June 2021. Collection method: clinical testing. Allele origin: germline. Affected: yes.
Comment: In silico analysis supports that this missense variant does not alter protein structure/function; Has not been previously published as pathogenic or benign to our knowledge